The following is an entry in ClinVar:

ClinVar aggregate classification (germline): Uncertain significance (1 of 4 stars; one submission).

Allele frequency attached by ClinVar (database versions not stated): gnomAD exomes below 0.00001; ExAC 0.00001.
gnomAD v4.1: 1 of 1,613,322 alleles (0.000062%); highest among the groups gnomAD compares: Admixed American, 0.0017%; no homozygotes.

Submission:

Labcorp Genetics (formerly Invitae), Labcorp
Classification: Uncertain significance. Last evaluated: 2022-09-15. Review status: criteria provided, single submitter. Criteria: Invitae Variant Classification Sherloc (09022015). Collection method: clinical testing. Allele origin: germline.
Comment: In summary, the available evidence is currently insufficient to determine the role of this variant in disease. Therefore, it has been classified as a Variant of Uncertain Significance. This sequence change replaces asparagine, which is neutral and polar, with lysine, which is basic and polar, at codon 218 of the GNAS protein (p.Asn218Lys). This variant is present in population databases (rs775747511, gnomAD 0.003%). This variant has not been reported in the literature in individuals affected with GNAS-related conditions. Advanced modeling of protein sequence and biophysical properties (such as structural, functional, and spatial information, amino acid conservation, physicochemical variation, residue mobility, and thermodynamic stability) performed at Invitae indicates that this missense variant is not expected to disrupt GNAS protein function.

NM_000516.7(GNAS):c.654C>A (p.Asn218Lys)

Gene: GNAS (GNAS complex locus; plus strand). Cytogenetic location: 20q13.32.
Variant type: single nucleotide variant.
Coding change: c.654C>A on transcript NM_000516.7 (MANE Select); coding-DNA position 654, C replaced by A.
Protein change: p.Asn218Lys; replaces asparagine 218 with lysine.
Molecular consequence: missense variant. On other transcripts: 3 prime UTR variant (2).
Genome position (GRCh38, 1-based): chr20:58,909,418, C>A. VCF-style: chr20-58909418-C-A. GRCh37 (hg19) VCF-style: chr20-57484473-C-A.
Other names: c.657C>A, p.Asn219Lys (NM_001077488.5); c.609C>A, p.Asn203Lys (NM_001077489.4); c.*515C>A (NM_001077490.3); c.477C>A, p.Asn159Lys (NM_001309840.2, NM_001309861.2); c.558C>A, p.Asn186Lys (NM_001410912.1); c.2538C>A, p.Asn846Lys (NM_001410913.1); c.*560C>A (NM_016592.5); c.2583C>A, p.Asn861Lys (NM_080425.4); and 1 more; short protein forms N218K, N159K, N203K, N219K, N186K, N204K, N846K, N861K.
Identifiers: ClinVar variation 2051931 (VCV002051931.4), dbSNP rs775747511, ClinGen allele CA9927178.
Genomic context (GRCh38, chr20:58,909,418, plus strand): 5'-TCGCTGCCGTGTCCTGACTTCTGGAATCTTTGAGACCAAGTTCCAGGTGGACAAAGTCAA[C>A]TTCCAGTAAGCCAACTGTTACCTTTTTATATAACAGAGATCATGGTTTCTTGACATTCAC-3'
Protein context (NP_000507.1, residues 208-228): FETKFQVDKV[Asn218Lys]FHMFDVGGQR